The following is an entry in ClinVar:

ClinVar aggregate classification (germline): Uncertain significance. Review status: criteria provided, multiple submitters, no conflicts (2 of 4 stars). 3 submissions from 3 submitters: Uncertain significance (3). Last evaluated 2025-10-29.

Conditions:
Neuronopathy, distal hereditary motor, type 7A. Also called: HMN VIIA; SPINAL MUSCULAR ATROPHY, DISTAL, WITH VOCAL CORD PARALYSIS; Neuronopathy, distal hereditary motor, autosomal dominant 7; Neuronopathy, distal hereditary motor, type viia; NEURONOPATHY, DISTAL HEREDITARY MOTOR, HARDING TYPE VIIA; NEUROPATHY, DISTAL HEREDITARY MOTOR, HARDING TYPE VIIA. Identifiers: Orphanet 139589, MedGen C1834703, MONDO:0008024, OMIM 158580.
Congenital myasthenic syndrome 20. Also called: Myasthenic syndrome, congenital, 20, presynaptic. Identifiers: MedGen C4310694, MONDO:0014939, OMIM 617143.
Inborn genetic diseases. Identifiers: MedGen C0950123, MeSH D030342.

Allele frequency attached by ClinVar (database versions not stated): gnomAD 0.00001 and 0.00002; ExAC 0.00002; gnomAD exomes 0.00002; TOPMed 0.00003.
gnomAD v4.1: 29 of 1,613,358 alleles (0.0018%); highest among the groups gnomAD compares: South Asian, 0.0066%; no homozygotes.

Submissions (3):

Labcorp Genetics (formerly Invitae), Labcorp
Classification: Uncertain significance for Neuronopathy, distal hereditary motor, type 7A; Congenital myasthenic syndrome 20. Last evaluated: 2025-10-29. Review status: criteria provided, single submitter. Criteria: Invitae Variant Classification Sherloc (09022015). Collection method: clinical testing. Allele origin: germline.
Comment: This sequence change replaces valine, which is neutral and non-polar, with isoleucine, which is neutral and non-polar, at codon 378 of the SLC5A7 protein (p.Val378Ile). This variant is present in population databases (rs763020957, gnomAD 0.006%). This variant has not been reported in the literature in individuals affected with SLC5A7-related conditions. ClinVar contains an entry for this variant (Variation ID: 944273). Invitae Evidence Modeling of protein sequence and biophysical properties (such as structural, functional, and spatial information, amino acid conservation, physicochemical variation, residue mobility, and thermodynamic stability) indicates that this missense variant is not expected to disrupt SLC5A7 protein function with a negative predictive value of 80%. In summary, the available evidence is currently insufficient to determine the role of this variant in disease. Therefore, it has been classified as a Variant of Uncertain Significance.

ARUP Laboratories, Molecular Genetics and Genomics, ARUP Laboratories
Classification: Uncertain significance. Last evaluated: 2024-10-03. Review status: criteria provided, single submitter. Criteria: ARUP Molecular Germline Variant Investigation Process 2024. Collection method: clinical testing. Allele origin: germline.
Comment: The SLC5A7 c.1132G>A; p.Val378Ile variant (rs763020957), to our knowledge, is not reported in the medical literature but is reported in ClinVar (Variation ID: 944273). This variant is found in the general population with an overall allele frequency of 0.002% (6/281,882 alleles) in the Genome Aggregation Database (v2.1.1). Computational analyses are uncertain whether this variant is neutral or deleterious (REVEL: 0.234). Due to limited information, the clinical significance of this variant is uncertain at this time.

Ambry Genetics
Classification: Uncertain significance for Inborn genetic diseases. Last evaluated: 2019-09-20. Review status: criteria provided, single submitter. Criteria: Ambry Variant Classification Scheme 2023. Collection method: clinical testing. Allele origin: germline.
Comment: The p.V378I variant (also known as c.1132G>A), located in coding exon 8 of the SLC5A7 gene, results from a G to A substitution at nucleotide position 1132. The valine at codon 378 is replaced by isoleucine, an amino acid with highly similar properties. This amino acid position is well conserved in available vertebrate species. In addition, this alteration is predicted to be tolerated by in silico analysis. Since supporting evidence is limited at this time, the clinical significance of this alteration remains unclear.

NM_021815.5(SLC5A7):c.1132G>A (p.Val378Ile)

Gene: SLC5A7 (solute carrier family 5 member 7; plus strand). Cytogenetic location: 2q12.3.
Variant type: single nucleotide variant.
Coding change: c.1132G>A on transcript NM_021815.5 (MANE Select); coding-DNA position 1132, G replaced by A.
Protein change: p.Val378Ile; replaces valine 378 with isoleucine.
Molecular consequence: missense variant.
Genome position (GRCh38, 1-based): chr2:108,010,250, G>A. VCF-style: chr2-108010250-G-A. GRCh37 (hg19) VCF-style: chr2-108626706-G-A.
Other names: c.1132G>A, p.Val378Ile (NM_001305005.3); c.817G>A, p.Val273Ile (NM_001305006.3); c.391G>A, p.Val131Ile (NM_001305007.3); short protein forms V273I, V378I, V131I.
Identifiers: ClinVar variation 944273 (VCV000944273.10), dbSNP rs763020957, ClinGen allele CA1819138.